The following is an entry in ClinVar:

ClinVar aggregate classification (germline): Uncertain significance. Review status: criteria provided, multiple submitters, no conflicts (2 of 4 stars). 2 submissions from 2 submitters: Uncertain significance (2). Last evaluated 2023-11-30.

Conditions:
Cardiomyopathy (CMYO). Also called: Cardiomyopathies. Identifiers: Orphanet 167848, MedGen C0878544, MONDO:0004994, HP:0001638. Inheritance: Various modes of inheritance.

Submissions (2):

All of Us Research Program, National Institutes of Health
Classification: Uncertain significance for Cardiomyopathy. Last evaluated: 2023-11-30. Review status: criteria provided, single submitter. Criteria: ACMG Guidelines, 2015. Collection method: clinical testing. Allele origin: germline. Inheritance: Autosomal dominant inheritance. Observed: 3 variant alleles, 3 heterozygotes.
Comment: This missense variant replaces arginine with proline at codon 1420 of the MYH7 protein. Computational prediction suggests that this variant may have deleterious impact on protein structure and function (internally defined REVEL score threshold >= 0.7, PMID: 27666373). To our knowledge, functional studies have not been reported for this variant. This variant has not been reported in individuals affected with MYH7-related disorders in the literature. This variant has not been identified in the general population by the Genome Aggregation Database (gnomAD). The available evidence is insufficient to determine the role of this variant in disease conclusively. Therefore, this variant is classified as a Variant of Uncertain Significance.

This study involves interpretation of variants in research participants for the purpose of population health screening. Participant phenotype was not available at the time of variant classification. Additional details can be found in publication PMID: 35346344, PMCID: PMC8962531

Color Diagnostics, LLC DBA Color Health
Classification: Uncertain significance for Cardiomyopathy. Last evaluated: 2023-09-14. Review status: criteria provided, single submitter. Criteria: ACMG Guidelines, 2015. Collection method: clinical testing. Allele origin: germline.
Comment: This missense variant replaces arginine with proline at codon 1420 of the MYH7 protein. Computational prediction suggests that this variant may have deleterious impact on protein structure and function (internally defined REVEL score threshold >= 0.7, PMID: 27666373). To our knowledge, functional studies have not been reported for this variant. This variant has not been reported in individuals affected with MYH7-related disorders in the literature. This variant has not been identified in the general population by the Genome Aggregation Database (gnomAD). The available evidence is insufficient to determine the role of this variant in disease conclusively. Therefore, this variant is classified as a Variant of Uncertain Significance.

NM_000257.4(MYH7):c.4259G>C (p.Arg1420Pro)

Gene: MYH7 (myosin heavy chain 7; minus strand). Cytogenetic location: 14q11.2.
Variant type: single nucleotide variant.
Coding change: c.4259G>C on transcript NM_000257.4 (MANE Select); coding-DNA position 4259, G replaced by C.
Protein change: p.Arg1420Pro; replaces arginine 1420 with proline.
Molecular consequence: missense variant.
Genome position (GRCh38, 1-based): chr14:23,417,597, C>G on the plus strand (G>C on the coding strand, the complement: MYH7 is on the minus strand). VCF-style: chr14-23417597-C-G. GRCh37 (hg19) VCF-style: chr14-23886806-C-G.
Other names: short protein forms R1420P.
Identifiers: ClinVar variation 1171694 (VCV001171694.5), dbSNP rs397516207, ClinGen allele CA389040321.